The following is an entry in ClinVar:

ClinVar aggregate classification (germline): Uncertain significance (1 of 4 stars; one submission).

gnomAD v4.1: 6 of 1,613,958 alleles (0.00037%); highest among the groups gnomAD compares: Admixed American, 0.0033%; no homozygotes.

Submission:

GeneDx
Classification: Uncertain significance. Last evaluated: 2023-11-29. Review status: criteria provided, single submitter. Criteria: GeneDx Variant Classification Process June 2021. Collection method: clinical testing. Allele origin: germline. Affected: yes.
Comment: Not observed at significant frequency in large population cohorts (gnomAD); In silico analysis supports that this missense variant does not alter protein structure/function; Has not been previously published as pathogenic or benign to our knowledge

NM_001039141.3(TRIOBP):c.773A>C (p.Gln258Pro)

Gene: TRIOBP (TRIO and F-actin binding protein; plus strand). Cytogenetic location: 22q13.1.
Variant type: single nucleotide variant.
Coding change: c.773A>C on transcript NM_001039141.3 (MANE Select); coding-DNA position 773, A replaced by C.
Protein change: p.Gln258Pro; replaces glutamine 258 with proline.
Molecular consequence: missense variant.
Genome position (GRCh38, 1-based): chr22:37,723,329, A>C. VCF-style: chr22-37723329-A-C. GRCh37 (hg19) VCF-style: chr22-38119336-A-C.
Other names: short protein forms Q258P.
Identifiers: ClinVar variation 3343926 (VCV003343926.1).
Genomic context (GRCh38, chr22:37,723,329, plus strand): 5'-CAACACTGACCCAGGCTTCCTCCATGACACCACACAGTGGACCTCGAAGCACCACGTCTC[A>C]GGCTTCTCCTGCCCAAAGGGACACTGCTCAGGCTGCCTCTACACGTGAAATCCCCAGAGC-3'
Protein context (NP_001034230.1, residues 248-268): PHSGPRSTTS[Gln258Pro]ASPAQRDTAQ